The following is an entry in ClinVar:

NM_000282.4(PCCA):c.1268C>T (p.Pro423Leu)

Gene: PCCA (propionyl-CoA carboxylase subunit alpha; plus strand). Cytogenetic location: 13q32.3.
Variant type: single nucleotide variant.
Coding change: c.1268C>T on transcript NM_000282.4 (MANE Select); coding-DNA position 1268, C replaced by T.
Protein change: p.Pro423Leu; replaces proline 423 with leucine.
Molecular consequence: missense variant. On other transcripts: non-coding transcript variant (5).
Genome position (GRCh38, 1-based): chr13:100,302,982, C>T. VCF-style: chr13-100302982-C-T. GRCh37 (hg19) VCF-style: chr13-100955236-C-T.
Other names: c.1190C>T, p.Pro397Leu (NM_001127692.3, NM_001352607.2); c.1268C>T, p.Pro423Leu (NM_001178004.2, NM_001352605.2, NM_001352609.2); c.1124C>T, p.Pro375Leu (NM_001352606.2); c.1046C>T, p.Pro349Leu (NM_001352608.2); c.323C>T, p.Pro108Leu (NM_001352610.2, NM_001352611.2); c.179C>T, p.Pro60Leu (NM_001352612.2); short protein forms P423L, P397L, P60L, P375L, P108L, P349L.
Identifiers: ClinVar variation 554310 (VCV000554310.17), dbSNP rs1443858896, ClinGen allele CA388695538.

ClinVar aggregate classification (germline): Pathogenic/Likely pathogenic. Review status: criteria provided, multiple submitters, no conflicts (2 of 4 stars). 4 submissions from 4 submitters: Pathogenic (1); Likely pathogenic (2). 1 of the submissions does not count toward it. Last evaluated 2025-08-29.

Conditions:
Propionic acidemia (PROP). Also called: GLYCINEMIA, KETOTIC; HYPERGLYCINEMIA WITH KETOACIDOSIS AND LEUKOPENIA; KETOTIC HYPERGLYCINEMIA. Identifiers: Orphanet 35, MedGen C0268579, MONDO:0011628, OMIM 606054, HP:0003571.

Allele frequency attached by ClinVar (database versions not stated): gnomAD exomes 0.00001; TOPMed 0.00001.
gnomAD v4.1: 8 of 1,592,044 alleles (0.0005%); highest among the groups gnomAD compares: Non-Finnish European, 0.00052%; no homozygotes.

Submissions (4):

Natera, Inc.
Classification: Likely pathogenic for Propionic acidemia. Last evaluated: 2025-08-29. Review status: criteria provided, single submitter. Criteria: Natera Variant Classification Schema (03/2026). Collection method: clinical testing. Allele origin: germline.
Comment: The c.1268C>T variant in PCCA is a missense variant predicted to cause substitution of proline to leucine at amino acid 423. This variant is rare in the general population with a frequency below the threshold expected for the associated phenotype(s). This variant has been observed in one or more individuals affected with the associated recessive disease, as either homozygous or compound heterozygous with a second variant (PMID: 10518292, 20549364, 22033733, 31249402, 40026238). Functional studies show that this variant may disrupt protein function (PMID: 22033733). Computational prediction algorithms indicate this variant is likely to affect gene or protein function. Given the available evidence, this variant is classified as Likely Pathogenic.

Labcorp Genetics (formerly Invitae), Labcorp
Classification: Pathogenic for Propionic acidemia. Last evaluated: 2025-06-15. Review status: criteria provided, single submitter. Criteria: Invitae Variant Classification Sherloc (09022015). Collection method: clinical testing. Allele origin: germline.
Comment: This sequence change replaces proline, which is neutral and non-polar, with leucine, which is neutral and non-polar, at codon 423 of the PCCA protein (p.Pro423Leu). This variant is present in population databases (no rsID available, gnomAD 0.01%). This missense change has been observed in individual(s) with propionic acidemia (PMID: 10518292, 20549364, 22033733). In at least one individual the data is consistent with being in trans (on the opposite chromosome) from a pathogenic variant. This variant is also known as 1193C>T; P398L. ClinVar contains an entry for this variant (Variation ID: 554310). Invitae Evidence Modeling of protein sequence and biophysical properties (such as structural, functional, and spatial information, amino acid conservation, physicochemical variation, residue mobility, and thermodynamic stability) indicates that this missense variant is expected to disrupt PCCA protein function with a positive predictive value of 80%. Experimental studies have shown that this missense change affects PCCA function (PMID: 2037281, 22033733). For these reasons, this variant has been classified as Pathogenic.

Revvity Omics, Revvity
Classification: Likely pathogenic for Propionic acidemia. Last evaluated: 2022-05-24. Review status: criteria provided, single submitter. Criteria: ACMG Guidelines, 2015. Collection method: clinical testing. Allele origin: germline.

Counsyl
Classification: Likely pathogenic for Propionic acidemia. Last evaluated: 2017-10-16. Review status: no assertion criteria provided. Collection method: clinical testing. Allele origin: unknown. Not counted in ClinVar's aggregate classification.

Literature cited by the submitters: PubMed 10518292 (cited by Natera, Inc. and Labcorp Genetics (formerly Invitae), Labcorp); PubMed 20549364 (cited by 3 submitters); PubMed 22033733 (cited by 3 submitters); PubMed 31249402 (cited by Natera, Inc.); PubMed 40026238 (cited by Natera, Inc.); PubMed 2037281 (cited by Labcorp Genetics (formerly Invitae), Labcorp); PubMed 15059621 (cited by Counsyl).